The following is an entry in ClinVar:

ClinVar aggregate classification (germline): Uncertain significance (1 of 4 stars; one submission).

Conditions:
Congenital insensitivity to pain-hypohidrosis syndrome. Also called: Neuropathy, hereditary sensory and autonomic, type VIII; HSAN VIII. Identifiers: Orphanet 478664, MedGen C4225308, MONDO:0014662, OMIM 616488.

gnomAD v4.1: 8 of 1,605,646 alleles (0.0005%); highest among the groups gnomAD compares: Non-Finnish European, 0.00068%; no homozygotes.

Submission:

Labcorp Genetics (formerly Invitae), Labcorp
Classification: Uncertain significance for Congenital insensitivity to pain-hypohidrosis syndrome. Last evaluated: 2021-12-24. Review status: criteria provided, single submitter. Criteria: Invitae Variant Classification Sherloc (09022015). Collection method: clinical testing. Allele origin: germline.
Comment: This sequence change replaces leucine, which is neutral and non-polar, with methionine, which is neutral and non-polar, at codon 11 of the PRDM12 protein (p.Leu11Met). The frequency data for this variant in the population databases is considered unreliable, as metrics indicate poor data quality at this position in the gnomAD database. This variant has not been reported in the literature in individuals affected with PRDM12-related conditions. Algorithms developed to predict the effect of missense changes on protein structure and function are either unavailable or do not agree on the potential impact of this missense change (SIFT: "Tolerated"; PolyPhen-2: "Possibly Damaging"; Align-GVGD: "Class C0"). In summary, the available evidence is currently insufficient to determine the role of this variant in disease. Therefore, it has been classified as a Variant of Uncertain Significance.

NM_021619.3(PRDM12):c.31C>A (p.Leu11Met)

Gene: PRDM12 (PR/SET domain 12; plus strand). Cytogenetic location: 9q34.12.
Variant type: single nucleotide variant.
Coding change: c.31C>A on transcript NM_021619.3 (MANE Select); coding-DNA position 31, C replaced by A.
Protein change: p.Leu11Met; replaces leucine 11 with methionine.
Molecular consequence: missense variant.
Genome position (GRCh38, 1-based): chr9:130,664,684, C>A. VCF-style: chr9-130664684-C-A. GRCh37 (hg19) VCF-style: chr9-133540071-C-A.
Other names: short protein forms L11M.
Identifiers: ClinVar variation 2158419 (VCV002158419.1), dbSNP rs748613767, ClinGen allele CA5284449.